The following is an entry in ClinVar:

ClinVar aggregate classification (germline): Uncertain significance. Review status: criteria provided, multiple submitters, no conflicts (2 of 4 stars). 3 submissions from 3 submitters: Uncertain significance (3). Last evaluated 2026-02-02.

Conditions:
Autoimmune lymphoproliferative syndrome type 2A (ALPS2A). Also called: CASP10-Related Autoimmune Lymphoproliferative Syndrome; AUTOIMMUNE LYMPHOPROLIFERATIVE SYNDROME, TYPE IIA; Autoimmune lymphoproliferative syndrome type 2. Identifiers: Orphanet 3261, MedGen C1858968, MONDO:0011383, OMIM 603909.

Allele frequency attached by ClinVar (database versions not stated): ExAC 0.00006; TOPMed 0.00010; ESP Exome Variant Server 0.00031.
gnomAD v4.1: 226 of 1,613,968 alleles (0.014%); highest among the groups gnomAD compares: Non-Finnish European, 0.018%; 1 homozygote.

Submissions (3):

Labcorp Genetics (formerly Invitae), Labcorp
Classification: Uncertain significance for Autoimmune lymphoproliferative syndrome type 2A. Last evaluated: 2026-02-02. Review status: criteria provided, single submitter. Criteria: Invitae Variant Classification Sherloc (09022015). Collection method: clinical testing. Allele origin: germline.
Comment: This sequence change replaces arginine, which is basic and polar, with histidine, which is basic and polar, at codon 21 of the CASP10 protein (p.Arg21His). This variant is present in population databases (rs140813639, gnomAD 0.01%). This variant has not been reported in the literature in individuals affected with CASP10-related conditions. ClinVar contains an entry for this variant (Variation ID: 1011666). An algorithm developed to predict the effect of missense changes on protein structure and function (PolyPhen-2) suggests that this variant is likely to be tolerated. In summary, the available evidence is currently insufficient to determine the role of this variant in disease. Therefore, it has been classified as a Variant of Uncertain Significance.

Ambry Genetics
Classification: Uncertain significance. Last evaluated: 2024-11-21. Review status: criteria provided, single submitter. Criteria: Ambry Variant Classification Scheme 2023. Collection method: clinical testing. Allele origin: germline.

Mayo Clinic Laboratories, Mayo Clinic
Classification: Uncertain significance. Last evaluated: 2024-05-29. Review status: criteria provided, single submitter. Criteria: ACMG Guidelines, 2015. Collection method: clinical testing. Allele origin: germline. Observed: 1 variant allele.

NM_032977.4(CASP10):c.62G>A (p.Arg21His)

Gene: CASP10 (caspase 10; plus strand). Cytogenetic location: 2q33.1.
Variant type: single nucleotide variant.
Coding change: c.62G>A on transcript NM_032977.4 (MANE Select); coding-DNA position 62, G replaced by A.
Protein change: p.Arg21His; replaces arginine 21 with histidine.
Molecular consequence: missense variant.
Genome position (GRCh38, 1-based): chr2:201,185,839, G>A. VCF-style: chr2-201185839-G-A. GRCh37 (hg19) VCF-style: chr2-202050562-G-A.
Other names: p.Arg21His; c.62G>A, p.Arg21His (NM_001206524.2, NM_001206542.2, NM_001230.5 and 3 more transcripts); c.62G>A (NM_032977.3); short protein forms R21H.
Identifiers: ClinVar variation 1011666 (VCV001011666.12), dbSNP rs140813639, ClinGen allele CA2052769.